The following is an entry in ClinVar:

NM_000321.3(RB1):c.274A>G (p.Ile92Val)

Gene: RB1 (RB transcriptional corepressor 1; plus strand). Cytogenetic location: 13q14.2.
Variant type: single nucleotide variant.
Coding change: c.274A>G on transcript NM_000321.3 (MANE Select); coding-DNA position 274, A replaced by G.
Protein change: p.Ile92Val; replaces isoleucine 92 with valine.
Molecular consequence: missense variant.
Genome position (GRCh38, 1-based): chr13:48,342,608, A>G. VCF-style: chr13-48342608-A-G. GRCh37 (hg19) VCF-style: chr13-48916744-A-G.
Other names: c.274A>G, p.Ile92Val (NM_001407165.1, NM_001407166.1); short protein forms I92V.
Identifiers: ClinVar variation 3678797 (VCV003678797.2).
Genomic context (GRCh38, chr13:48,342,608, plus strand): 5'-CAGTGTGTGAATTATTTAATGAAATATTTGATCTTTATTTTTTGTTCCCAGGGAGGTTAT[A>G]TTCAAAAGAAAAAGGAACTGTGGGGAATCTGTATCTTTATTGCAGCAGTTGACCTAGATG-3'
Protein context (NP_000312.2, residues 82-102): SSVDGVLGGY[Ile92Val]QKKKELWGIC

ClinVar aggregate classification (germline): Uncertain significance (1 of 4 stars; one submission).

Conditions:
Retinoblastoma (RB1). Also called: RETINOBLASTOMA, SOMATIC. Identifiers: Orphanet 790, MedGen C0035335, MeSH D012175, MONDO:0008380, OMIM 180200, HP:0009919. Disease mechanism: loss of function. Inheritance: Both sporadic and heritable forms are tested..

gnomAD v4.1: 1 of 1,599,454 alleles (0.000063%); highest among the groups gnomAD compares: South Asian, 0.0011%; no homozygotes.

Submission:

Labcorp Genetics (formerly Invitae), Labcorp
Classification: Uncertain significance for Retinoblastoma. Last evaluated: 2024-07-22. Review status: criteria provided, single submitter. Criteria: Invitae Variant Classification Sherloc (09022015). Collection method: clinical testing. Allele origin: germline.
Comment: This sequence change replaces isoleucine, which is neutral and non-polar, with valine, which is neutral and non-polar, at codon 92 of the RB1 protein (p.Ile92Val). This variant is not present in population databases (gnomAD no frequency). This variant has not been reported in the literature in individuals affected with RB1-related conditions. Advanced modeling of protein sequence and biophysical properties (such as structural, functional, and spatial information, amino acid conservation, physicochemical variation, residue mobility, and thermodynamic stability) performed at Invitae indicates that this missense variant is not expected to disrupt RB1 protein function with a negative predictive value of 80%. In summary, the available evidence is currently insufficient to determine the role of this variant in disease. Therefore, it has been classified as a Variant of Uncertain Significance.